The following is an entry in ClinVar:

ClinVar aggregate classification (germline): Uncertain significance (1 of 4 stars; one submission).

Submission:

Ambry Genetics
Classification: Uncertain significance. Last evaluated: 2024-05-18. Review status: criteria provided, single submitter. Criteria: Ambry Variant Classification Scheme 2023. Collection method: clinical testing. Allele origin: germline.
Comment: The p.A800E variant (also known as c.2399C>A), located in coding exon 4 of the ALPK2 gene, results from a C to A substitution at nucleotide position 2399. The alanine at codon 800 is replaced by glutamic acid, an amino acid with dissimilar properties. This amino acid position is conserved. In addition, this alteration is predicted to be tolerated by in silico analysis. Based on the available evidence, the clinical significance of this variant remains unclear.

NM_052947.4(ALPK2):c.2399C>A (p.Ala800Glu)

Gene: ALPK2 (alpha kinase 2; minus strand). Cytogenetic location: 18q21.31.
Variant type: single nucleotide variant.
Coding change: c.2399C>A on transcript NM_052947.4 (MANE Select); coding-DNA position 2399, C replaced by A.
Protein change: p.Ala800Glu; replaces alanine 800 with glutamic acid.
Molecular consequence: missense variant.
Genome position (GRCh38, 1-based): chr18:58,537,788, G>T on the plus strand (C>A on the coding strand, the complement: ALPK2 is on the minus strand). VCF-style: chr18-58537788-G-T. GRCh37 (hg19) VCF-style: chr18-56205020-G-T.
Other names: short protein forms A800E.
Identifiers: ClinVar variation 3290401 (VCV003290401.1).
Genomic context (GRCh38, chr18:58,537,788, plus strand): 5'-TCTATGGTATCAAAACACGTTCCTTGGTCACCAGCCTCAAAACACTCCATTGCACACACT[G>T]CTTCTCTGTCCCTTGGCTCATCACACACATTTTCCAGGGTGAGGGCAGTATCTGTGGGTT-3'
Protein context (NP_443179.3, residues 790-810): NVCDEPRDRE[Ala800Glu]VCAMECFEAG